The following is an entry in ClinVar:

ClinVar aggregate classification (germline): Conflicting classifications of pathogenicity. Review status: criteria provided, conflicting classifications (1 of 4 stars). 2 submissions from 2 submitters: Uncertain significance (1); Likely benign (1). Last evaluated 2025-04-21.

Conditions:
Kabuki syndrome. Also called: NIIKAWA-KUROKI SYNDROME; Kabuki make-up syndrome. Identifiers: Orphanet 2322, MedGen C0796004, MONDO:0016512.
Inborn genetic diseases. Identifiers: MedGen C0950123, MeSH D030342.

gnomAD v4.1: 13 of 1,513,636 alleles (0.00086%); highest among the groups gnomAD compares: Non-Finnish European, 0.0011%; no homozygotes.

Submissions (2):

Labcorp Genetics (formerly Invitae), Labcorp
Classification: Likely benign for Kabuki syndrome. Last evaluated: 2025-04-21. Review status: criteria provided, single submitter. Criteria: Invitae Variant Classification Sherloc (09022015). Collection method: clinical testing. Allele origin: germline.

Ambry Genetics
Classification: Uncertain significance for Inborn genetic diseases. Last evaluated: 2020-12-18. Review status: criteria provided, single submitter. Criteria: Ambry Variant Classification Scheme 2023. Collection method: clinical testing. Allele origin: germline.
Comment: The c.6572C>A (p.T2191K) alteration is located in exon 31 (coding exon 31) of the KMT2D gene. This alteration results from a C to A substitution at nucleotide position 6572, causing the threonine (T) at amino acid position 2191 to be replaced by a lysine (K). The p.T2191K alteration is predicted to be tolerated by in silico analysis. Based on insufficient or conflicting evidence, the clinical significance of this alteration remains unclear.

NM_003482.4(KMT2D):c.6572C>A (p.Thr2191Lys)

Gene: KMT2D (lysine methyltransferase 2D; minus strand). Cytogenetic location: 12q13.12.
Variant type: single nucleotide variant.
Coding change: c.6572C>A on transcript NM_003482.4 (MANE Select); coding-DNA position 6572, C replaced by A.
Protein change: p.Thr2191Lys; replaces threonine 2191 with lysine.
Molecular consequence: missense variant.
Genome position (GRCh38, 1-based): chr12:49,041,198, G>T on the plus strand (C>A on the coding strand, the complement: KMT2D is on the minus strand). VCF-style: chr12-49041198-G-T. GRCh37 (hg19) VCF-style: chr12-49434981-G-T.
Other names: short protein forms T2191K.
Identifiers: ClinVar variation 2216778 (VCV002216778.5), dbSNP rs572145631, ClinGen allele CA384750410.